The following is an entry in ClinVar:

NM_000136.3(FANCC):c.1155-1G>C

Genes: FANCC (FA complementation group C; minus strand), AOPEP (aminopeptidase O (putative); plus strand). Cytogenetic location: 9q22.32.
Variant type: single nucleotide variant.
Coding change: c.1155-1G>C on transcript NM_000136.3 (MANE Select); the canonical splice acceptor site of the intron before coding-DNA position 1155, G replaced by C.
Molecular consequence: splice acceptor variant.
Genome position (GRCh38, 1-based): chr9:95,111,638, C>G on the plus strand (G>C on the coding strand, the complement: FANCC is on the minus strand). VCF-style: chr9-95111638-C-G. GRCh37 (hg19) VCF-style: chr9-97873920-C-G.
Other names: c.1155-1G>C (NM_001243743.2, NM_001243744.2).
Identifiers: ClinVar variation 929815 (VCV000929815.13), dbSNP rs1554829575, ClinGen allele CA374107587.

ClinVar aggregate classification (germline): Pathogenic/Likely pathogenic. Review status: criteria provided, multiple submitters, no conflicts (2 of 4 stars). 6 submissions from 6 submitters: Pathogenic (1); Likely pathogenic (4). 1 of the submissions does not count toward it. Last evaluated 2024-10-17.

Conditions:
Hereditary cancer-predisposing syndrome. Also called: Neoplastic Syndromes, Hereditary; Hereditary Cancer Syndrome; Tumor predisposition; Hereditary neoplastic syndrome. Identifiers: Orphanet 140162, MedGen C0027672, MeSH D009386, MONDO:0015356.
Fanconi anemia (FA). Also called: Fanconi's anemia. Identifiers: Orphanet 84, MedGen C0015625, MeSH D005199, MONDO:0019391.
Fanconi anemia complementation group C (FANCC). Also called: Fanconi anemia, group C; FANCC-Related Fanconi Anemia; FANCONI PANCYTOPENIA, TYPE 3; FACC. Identifiers: Orphanet 84, MedGen C3468041, MONDO:0009213, OMIM 227645.

Allele frequency attached by ClinVar (database versions not stated): gnomAD exomes 0.00001.
gnomAD v4.1: 3 of 1,614,134 alleles (0.00019%); highest among the groups gnomAD compares: Non-Finnish European, 0.00025%; no homozygotes.

Submissions (6):

Quest Diagnostics Nichols Institute San Juan Capistrano
Classification: Pathogenic. Last evaluated: 2024-10-17. Review status: criteria provided, single submitter. Criteria: Quest Diagnostics criteria. Collection method: clinical testing. Allele origin: unknown.
Comment: The FANCC c.1155-1G>C variant disrupts a canonical splice-acceptor site and interferes with normal FANCC mRNA splicing. This variant has been reported in the published literature in an individual with Fanconi anemia (PMID: 22778927 (2012)). This variant has also been identified in an individual with breast cancer (PMID: 33471991 (2021), see also LOVD). This variant has not been reported in large, multi-ethnic general populations (Genome Aggregation Database). Based on the available information, this variant is classified as pathogenic.

Ambry Genetics
Classification: Likely pathogenic for Hereditary cancer-predisposing syndrome. Last evaluated: 2024-06-11. Review status: criteria provided, single submitter. Criteria: Ambry Variant Classification Scheme 2023. Collection method: clinical testing. Allele origin: germline.
Comment: The c.1155-1G>C intronic variant results from a G to C substitution one nucleotide upstream from coding exon 12 of the FANCC gene. This variant has been identified in the homozygous state and/or in conjunction with other FANCC variant(s) in individual(s) with features consistent with Fanconi anemia (Gille JJ et al. Anemia, 2012 Jun;2012:603253). This variant is considered to be rare based on population cohorts in the Genome Aggregation Database (gnomAD). This nucleotide position is highly conserved in available vertebrate species. In silico splice site analysis predicts that this alteration will weaken the native splice acceptor site. In addition to the clinical data presented in the literature, alterations that disrupt the canonical splice site are expected to cause aberrant splicing, resulting in an abnormal protein or a transcript that is subject to nonsense-mediated mRNA decay. As such, this alteration is classified as likely pathogenic.

Labcorp Genetics (formerly Invitae), Labcorp
Classification: Likely pathogenic for Fanconi anemia. Last evaluated: 2023-05-15. Review status: criteria provided, single submitter. Criteria: Invitae Variant Classification Sherloc (09022015). Collection method: clinical testing. Allele origin: germline.
Comment: Disruption of this splice site has been observed in individual(s) with Fanconi anemia (PMID: 22778927). This variant is not present in population databases (gnomAD no frequency). This sequence change affects an acceptor splice site in intron 12 of the FANCC gene. It is expected to disrupt RNA splicing. Variants that disrupt the donor or acceptor splice site typically lead to a loss of protein function (PMID: 16199547), and loss-of-function variants in FANCC are known to be pathogenic (PMID: 17924555). ClinVar contains an entry for this variant (Variation ID: 929815). In summary, the currently available evidence indicates that the variant is pathogenic, but additional data are needed to prove that conclusively. Therefore, this variant has been classified as Likely Pathogenic. Algorithms developed to predict the effect of sequence changes on RNA splicing suggest that this variant may disrupt the consensus splice site.

Women's Health and Genetics/Laboratory Corporation of America, LabCorp
Classification: Likely pathogenic for Fanconi anemia complementation group C. Last evaluated: 2023-02-15. Review status: criteria provided, single submitter. Criteria: LabCorp Variant Classification Summary - May 2015. Collection method: clinical testing. Allele origin: germline.
Comment: Variant summary: FANCC c.1155-1G>C is located in a canonical splice-site and is predicted to affect mRNA splicing resulting in a significantly altered protein due to either exon skipping, shortening, or inclusion of intronic material. Several computational tools predict a significant impact on normal splicing: Four predict the variant abolishes the canonical 3' acceptor site. However, these predictions have yet to be confirmed by functional studies. The variant was absent in 251298 control chromosomes. c.1155-1G>C has been reported in the literature in at least one individual affected with Fanconi Anemia Group C (example, Gille_2012). To our knowledge, no experimental evidence demonstrating an impact on protein function has been reported. Two ClinVar submitters (evaluation after 2014), including one database (LOVD), have submitted clinical-significance assessments for this variant citing overlapping evidence utilized in the context of this evaluation and classified the variant as pathogenic/likely pathogenic. Based on the evidence outlined above, the variant was classified as likely pathogenic.

GeneDx
Classification: Likely pathogenic. Last evaluated: 2022-12-30. Review status: criteria provided, single submitter. Criteria: GeneDx Variant Classification Process June 2021. Collection method: clinical testing. Allele origin: germline. Affected: yes.
Comment: Canonical splice site variant predicted to result in a null allele in a gene for which loss of function is a known mechanism of disease; Not observed at significant frequency in large population cohorts (gnomAD); Observed in conjunction with another FANCC variant an individual reported to have fanconi anemia (Gille et al., 2012); This variant is associated with the following publications: (PMID: 22778927)

Leiden Open Variation Database
Classification: Pathogenic for Fanconi anemia complementation group C. Last evaluated: 2020-02-28. Review status: no assertion criteria provided. Collection method: curation. Allele origin: germline. Affected: yes. Not counted in ClinVar's aggregate classification.
Comment: Curator: Arleen D. Auerbach. Submitter to LOVD: Johan de Winter.

Literature cited by the submitters: PubMed 22778927 (cited by 5 submitters); PubMed 33471991 (cited by Quest Diagnostics Nichols Institute San Juan Capistrano); PubMed 33314633 (cited by Quest Diagnostics Nichols Institute San Juan Capistrano); PubMed 16199547 (cited by Labcorp Genetics (formerly Invitae), Labcorp); PubMed 17924555 (cited by Labcorp Genetics (formerly Invitae), Labcorp).